The following is an entry in ClinVar:

NM_000158.4(GBE1):c.993-19T>C

Gene: GBE1 (1,4-alpha-glucan branching enzyme 1; minus strand). Cytogenetic location: 3p12.2.
Variant type: single nucleotide variant.
Coding change: c.993-19T>C on transcript NM_000158.4 (MANE Select); 19 bases into the intron before coding-DNA position 993, T replaced by C.
Molecular consequence: intron variant.
Genome position (GRCh38, 1-based): chr3:81,594,042, A>G on the plus strand (T>C on the coding strand, the complement: GBE1 is on the minus strand). VCF-style: chr3-81594042-A-G. GRCh37 (hg19) VCF-style: chr3-81643193-A-G.
Identifiers: ClinVar variation 255393 (VCV000255393.9), dbSNP rs374576644, ClinGen allele CA2499815.
Genomic context (GRCh38, chr3:81,594,042, plus strand): 5'-CACCATCTTATGTTTGACAGAAGGAATCTTAAAATTTCCCAGCTAAAATATAAGAGAAAT[A>G]TGTATTTAAGCAAAATGTGAAGAGCATTTTCCTTAACTGTTATAAATGTTTGCTATTAAC-3'

ClinVar aggregate classification (germline): Likely benign. Review status: criteria provided, multiple submitters, no conflicts (2 of 4 stars). 3 submissions from 3 submitters: Likely benign (3). Last evaluated 2025-09-15.

Conditions:
Glycogen storage disease IV, classic hepatic. Also called: GSD IV, CLASSIC HEPATIC. Identifiers: MedGen C1856301.
Glycogen storage disease, type IV (GSD4). Also called: GBE1 DEFICIENCY; GLYCOGEN BRANCHING ENZYME DEFICIENCY; GLYCOGENOSIS IV; GSD IV; Glycogen storage disease due to glycogen branching enzyme deficiency; AMYLOPECTINOSIS. Identifiers: Orphanet 367, MedGen C0017923, MONDO:0009292, OMIM 232500.

Allele frequency attached by ClinVar (database versions not stated): gnomAD exomes 0.00001 and 0.00002; ExAC 0.00009; ESP Exome Variant Server 0.00009; gnomAD 0.00011 and 0.00012; TOPMed 0.00014.
gnomAD v4.1: 25 of 1,244,206 alleles (0.002%); highest among the groups gnomAD compares: African/African-American, 0.035%; no homozygotes.

Submissions (3):

Labcorp Genetics (formerly Invitae), Labcorp
Classification: Likely benign for Glycogen storage disease, type IV; Glycogen storage disease IV, classic hepatic. Last evaluated: 2025-09-15. Review status: criteria provided, single submitter. Criteria: Invitae Variant Classification Sherloc (09022015). Collection method: clinical testing. Allele origin: germline.

GeneDx
Classification: Likely benign. Last evaluated: 2017-04-10. Review status: criteria provided, single submitter. Criteria: GeneDx Variant Classification (06012015). Collection method: clinical testing. Allele origin: germline. Affected: yes.
Comment: This variant is considered likely benign or benign based on one or more of the following criteria: it is a conservative change, it occurs at a poorly conserved position in the protein, it is predicted to be benign by multiple in silico algorithms, and/or has population frequency not consistent with disease.

PreventionGenetics, part of Exact Sciences
Classification: Likely benign. Review status: criteria provided, single submitter. Criteria: ACMG Guidelines, 2015. Collection method: clinical testing. Allele origin: germline.